The following is an entry in ClinVar:

NM_000095.3(COMP):c.854G>T (p.Arg285Leu)

Gene: COMP (cartilage oligomeric matrix protein; minus strand). Cytogenetic location: 19p13.11.
Variant type: single nucleotide variant.
Coding change: c.854G>T on transcript NM_000095.3 (MANE Select); coding-DNA position 854, G replaced by T.
Protein change: p.Arg285Leu; replaces arginine 285 with leucine.
Molecular consequence: missense variant.
Genome position (GRCh38, 1-based): chr19:18,788,423, C>A on the plus strand (G>T on the coding strand, the complement: COMP is on the minus strand). VCF-style: chr19-18788423-C-A. GRCh37 (hg19) VCF-style: chr19-18899232-C-A.
Other names: short protein forms R285L.
Identifiers: ClinVar variation 3626643 (VCV003626643.2).
Genomic context (GRCh38, chr19:18,788,423, plus strand): 5'-CCCGCCCTCCCTCCTGCCCAAGCCCGCCCCGCTCCGCCCCCACCCACCTTACGGCACTGG[C>A]GCTCCGGGCAGCGCAGCTTCTCGTCCGGGAAGCCGTCTAGGTCAGTGTCGCGACCACAGA-3'
Protein context (NP_000086.2, residues 275-295): FPDEKLRCPE[Arg285Leu]QCRKDNCVTV

ClinVar aggregate classification (germline): Uncertain significance (1 of 4 stars; one submission).

Submission:

Labcorp Genetics (formerly Invitae), Labcorp
Classification: Uncertain significance. Last evaluated: 2024-07-20. Review status: criteria provided, single submitter. Criteria: Invitae Variant Classification Sherloc (09022015). Collection method: clinical testing. Allele origin: germline.
Comment: This sequence change replaces arginine, which is basic and polar, with leucine, which is neutral and non-polar, at codon 285 of the COMP protein (p.Arg285Leu). This variant is present in population databases (no rsID available, gnomAD 0.01%). This variant has not been reported in the literature in individuals affected with COMP-related conditions. Advanced modeling of protein sequence and biophysical properties (such as structural, functional, and spatial information, amino acid conservation, physicochemical variation, residue mobility, and thermodynamic stability) performed at Invitae indicates that this missense variant is not expected to disrupt COMP protein function with a negative predictive value of 80%. In summary, the available evidence is currently insufficient to determine the role of this variant in disease. Therefore, it has been classified as a Variant of Uncertain Significance.